The following is an entry in ClinVar:

ClinVar aggregate classification (germline): Uncertain significance (1 of 4 stars; one submission).

Allele frequency attached by ClinVar (database versions not stated): gnomAD 0.00001; gnomAD exomes 0.00001; ExAC 0.00002; TOPMed 0.00006.

Submission:

Labcorp Genetics (formerly Invitae), Labcorp
Classification: Uncertain significance. Last evaluated: 2024-05-22. Review status: criteria provided, single submitter. Criteria: Invitae Variant Classification Sherloc (09022015). Collection method: clinical testing. Allele origin: germline.
Comment: This sequence change replaces tryptophan, which is neutral and slightly polar, with arginine, which is basic and polar, at codon 409 of the CSF2RB protein (p.Trp409Arg). This variant is present in population databases (rs781543737, gnomAD 0.03%). This variant has not been reported in the literature in individuals affected with CSF2RB-related conditions. Advanced modeling of protein sequence and biophysical properties (such as structural, functional, and spatial information, amino acid conservation, physicochemical variation, residue mobility, and thermodynamic stability) performed at Invitae indicates that this missense variant is not expected to disrupt CSF2RB protein function with a negative predictive value of 80%. In summary, the available evidence is currently insufficient to determine the role of this variant in disease. Therefore, it has been classified as a Variant of Uncertain Significance.

NM_000395.3(CSF2RB):c.1225T>C (p.Trp409Arg)

Gene: CSF2RB (colony stimulating factor 2 receptor subunit beta; plus strand). Cytogenetic location: 22q12.3.
Variant type: single nucleotide variant.
Coding change: c.1225T>C on transcript NM_000395.3 (MANE Select); coding-DNA position 1225, T replaced by C.
Protein change: p.Trp409Arg; replaces tryptophan 409 with arginine.
Molecular consequence: missense variant.
Genome position (GRCh38, 1-based): chr22:36,933,904, T>C. VCF-style: chr22-36933904-T-C. GRCh37 (hg19) VCF-style: chr22-37329946-T-C.
Other names: c.1243T>C, p.Trp415Arg (NM_001410827.1); short protein forms W409R, W415R.
Identifiers: ClinVar variation 2918026 (VCV002918026.3), dbSNP rs781543737, ClinGen allele CA10213750.